The following is an entry in ClinVar:

ClinVar aggregate classification (germline): Conflicting classifications of pathogenicity. Review status: criteria provided, conflicting classifications (1 of 4 stars). 2 submissions from 2 submitters: Uncertain significance (1); Likely benign (1). Last evaluated 2025-07-05.

Conditions:
Hereditary cancer-predisposing syndrome. Also called: Neoplastic Syndromes, Hereditary; Tumor predisposition; Hereditary neoplastic syndrome; Hereditary Cancer Syndrome. Identifiers: Orphanet 140162, MedGen C0027672, MeSH D009386, MONDO:0015356.

Submissions (2):

Labcorp Genetics (formerly Invitae), Labcorp
Classification: Uncertain significance. Last evaluated: 2025-07-05. Review status: criteria provided, single submitter. Criteria: Invitae Variant Classification Sherloc (09022015). Collection method: clinical testing. Allele origin: germline.
Comment: This sequence change replaces asparagine, which is neutral and polar, with serine, which is neutral and polar, at codon 169 of the CTNNA1 protein (p.Asn169Ser). This variant is not present in population databases (gnomAD no frequency). This variant has not been reported in the literature in individuals affected with CTNNA1-related conditions. ClinVar contains an entry for this variant (Variation ID: 825413). Invitae Evidence Modeling of protein sequence and biophysical properties (such as structural, functional, and spatial information, amino acid conservation, physicochemical variation, residue mobility, and thermodynamic stability) indicates that this missense variant is not expected to disrupt CTNNA1 protein function with a negative predictive value of 80%. In summary, the available evidence is currently insufficient to determine the role of this variant in disease. Therefore, it has been classified as a Variant of Uncertain Significance.

Ambry Genetics
Classification: Likely benign for Hereditary cancer-predisposing syndrome. Last evaluated: 2024-03-25. Review status: criteria provided, single submitter. Criteria: Ambry Variant Classification Scheme 2023. Collection method: clinical testing. Allele origin: germline.

NM_001903.5(CTNNA1):c.506A>G (p.Asn169Ser)

Gene: CTNNA1 (catenin alpha 1; plus strand). Cytogenetic location: 5q31.2.
Variant type: single nucleotide variant.
Coding change: c.506A>G on transcript NM_001903.5 (MANE Select); coding-DNA position 506, A replaced by G.
Protein change: p.Asn169Ser; replaces asparagine 169 with serine.
Molecular consequence: missense variant.
Genome position (GRCh38, 1-based): chr5:138,812,220, A>G. VCF-style: chr5-138812220-A-G. GRCh37 (hg19) VCF-style: chr5-138147909-A-G.
Other names: c.506A>G, p.Asn169Ser (NM_001290307.3, NM_001323982.2, NM_001323983.1 and 3 more transcripts); c.197A>G, p.Asn66Ser (NM_001290309.3); c.137A>G, p.Asn46Ser (NM_001290310.3); short protein forms N169S, N66S, N46S.
Identifiers: ClinVar variation 825413 (VCV000825413.14), dbSNP rs1581119386, ClinGen allele CA361125120.